The following is an entry in ClinVar:

ClinVar aggregate classification (germline): Pathogenic (1 of 4 stars; one submission).

Conditions:
Primary ciliary dyskinesia. Also called: Ciliary dyskinesia. Identifiers: Orphanet 244, MedGen C0008780, MONDO:0016575, HP:0012265.

Submission:

Labcorp Genetics (formerly Invitae), Labcorp
Classification: Pathogenic for Primary ciliary dyskinesia. Last evaluated: 2023-11-03. Review status: criteria provided, single submitter. Criteria: Invitae Variant Classification Sherloc (09022015). Collection method: clinical testing. Allele origin: germline.
Comment: This sequence change creates a premature translational stop signal (p.Asn3038Ilefs*5) in the DNAH5 gene. It is expected to result in an absent or disrupted protein product. Loss-of-function variants in DNAH5 are known to be pathogenic (PMID: 11788826, 16627867). This variant is not present in population databases (gnomAD no frequency). This variant has not been reported in the literature in individuals affected with DNAH5-related conditions. For these reasons, this variant has been classified as Pathogenic.

Literature cited by the submitters: PubMed 11788826; PubMed 16627867.

NM_001369.3(DNAH5):c.9113_9117del (p.Asn3038fs)

Gene: DNAH5 (dynein axonemal heavy chain 5; minus strand). Cytogenetic location: 5p15.2.
Variant type: Deletion.
Coding change: c.9113_9117del on transcript NM_001369.3 (MANE Select); coding-DNA positions 9113 to 9117, 5 bases deleted (ACCTA; older notation c.9113_9117delACCTA).
Protein change: p.Asn3038fs; shifts the reading frame from asparagine 3038.
Molecular consequence: frameshift variant.
Genome position (GRCh38, 1-based): chr5:13,776,695-13,776,699, TAGGT deleted on the plus strand (ACCTA on the coding strand, the reverse complement: DNAH5 is on the minus strand); deleting any 5 consecutive bases within chr5:13,776,695-13,776,702 gives the same sequence; the c. name uses the placement nearest the transcript's 3' end. VCF-style (leftmost placement, unchanged base first): chr5-13776694-ATAGGT-A. GRCh37 (hg19) VCF-style: chr5-13776803-ATAGGT-A.
Other names: short protein forms N3038fs.
Identifiers: ClinVar variation 2798228 (VCV002798228.3), dbSNP rs1466693703, ClinGen allele CA804427824.